The following is an entry in ClinVar:

NM_002691.4(POLD1):c.3219-24CCCTGC[4]

Gene: POLD1 (DNA polymerase delta 1, catalytic subunit; plus strand). Cytogenetic location: 19q13.33.
Variant type: Microsatellite.
Coding change: c.3219-24CCCTGC[4] on transcript NM_002691.4 (MANE Select); four copies in a row of the 6-base unit CCCTGC starting at c.3219-24.
Molecular consequence: intron variant.
Genome position: GRCh38 VCF-style: chr19-50417817-A-ACCCTGCCCCTGC. GRCh37 (hg19) VCF-style: chr19-50921074-A-ACCCTGCCCCTGC.
Other names: c.3219-21_3219-10dup12 (NM_002691.2, NM_002691.3); c.3219-24CCCTGC[4] (NM_001256849.1); c.3297-24CCCTGC[4] (NM_001308632.1); c.3219-21_3219-10dupTGCCCCTGCCCC (NM_002691.4).
Identifiers: ClinVar variation 419893 (VCV000419893.10), dbSNP rs3219456, ClinGen allele CA9596816.
Genomic context (GRCh38, chr19:50,417,817, plus strand): 5'-AGTCCTGGGAACAGCCCCCACCCCTCTCCCAGGCTGGGCACTGGGCCTTGGCTGGTCCTG[A>ACCCTGCCCCTGC]CCCTGCCCCTGCCCCCACCCGCAGCCGGGACTGCCCCATCTTCTACATGCGCAAGAAGGT-3'

ClinVar aggregate classification (germline): Benign. Review status: criteria provided, multiple submitters, no conflicts (2 of 4 stars). 4 submissions from 4 submitters: Benign (3). 1 of the submissions does not count toward it. Last evaluated 2025-03-04.

Conditions:
POLD1-related disorder. Also called: POLD1-related condition; POLD1-related disorders.

Submissions (4):

Center for Genomic Medicine, Rigshospitalet, Copenhagen University Hospital
Classification: Benign. Last evaluated: 2025-03-04. Review status: criteria provided, single submitter. Criteria: ACMG Guidelines, 2015. Collection method: clinical testing. Allele origin: germline.

Women's Health and Genetics/Laboratory Corporation of America, LabCorp
Classification: Benign. Last evaluated: 2018-04-19. Review status: criteria provided, single submitter. Criteria: LabCorp Variant Classification Summary - May 2015. Collection method: clinical testing. Allele origin: germline.
Comment: Variant summary: POLD1 c.3219-21_3219-10dup12 results in the duplication of a 12 nucleotide motif upstream of an intron-exon junction, which may impact splicing. 5/5 computational tools predict no significant impact on normal splicing. However, these predictions have yet to be confirmed by functional studies. The variant allele was found at a frequency of 0.0032 in 202876 control chromosomes, predominantly within the African subpopulation at a frequency of 0.034 in the gnomAD database, including 11 homozygotes. The observed variant frequency within African control individuals in the gnomAD database is approximately 2393 fold above the estimated maximal expected allele frequency for a pathogenic variant in POLD1 causing Colorectal Cancer phenotype (1.4e-05), strongly suggesting that the variant is a benign polymorphism found primarily in populations of African origin. Although a POLD1 pseudogene exists, the surrounding sequence for this variant does not have significantly homology to any other region of the genome based on BLAT analysis, suggesting the data in the gnomAD database is reliable. To our knowledge, no occurrence of c.3219-21_3219-10dup12 in individuals affected with Colorectal Cancer and no experimental evidence demonstrating its impact on protein function have been reported. One clinical diagnostic laboratory has submitted clinical-significance assessments for this variant to ClinVar after 2014 and classified the variant as likely benign. Based on the evidence outlined above, the variant was classified as benign.

GeneDx
Classification: Benign. Last evaluated: 2017-06-12. Review status: criteria provided, single submitter. Criteria: GeneDx Variant Classification Process June 2021. Collection method: clinical testing. Allele origin: germline. Affected: yes.

PreventionGenetics, part of Exact Sciences
Classification: Benign for POLD1-related condition. Last evaluated: 2020-03-12. Review status: no assertion criteria provided. Collection method: clinical testing. Allele origin: germline. Not counted in ClinVar's aggregate classification.
Comment: This variant is classified as benign based on ACMG/AMP sequence variant interpretation guidelines (Richards et al. 2015 PMID: 25741868, with internal and published modifications).